The following is an entry in ClinVar:

ClinVar aggregate classification (germline): Uncertain significance (1 of 4 stars; one submission).

Conditions:
Developmental and epileptic encephalopathy 94 (DEE94). Also called: Epileptic encephalopathy, childhood-onset; CHD2-Related Neurodevelopmental Disorders. Identifiers: Orphanet 1942, Orphanet 2382, MedGen C3809278, MONDO:0014150, OMIM 615369.

Submission:

Labcorp Genetics (formerly Invitae), Labcorp
Classification: Uncertain significance for Developmental and epileptic encephalopathy 94. Last evaluated: 2022-07-19. Review status: criteria provided, single submitter. Criteria: Invitae Variant Classification Sherloc (09022015). Collection method: clinical testing. Allele origin: germline.
Comment: This variant has not been reported in the literature in individuals affected with CHD2-related conditions. This variant is not present in population databases (gnomAD no frequency). This sequence change replaces glycine, which is neutral and non-polar, with glutamic acid, which is acidic and polar, at codon 1658 of the CHD2 protein (p.Gly1658Glu). In summary, the available evidence is currently insufficient to determine the role of this variant in disease. Therefore, it has been classified as a Variant of Uncertain Significance. Advanced modeling of protein sequence and biophysical properties (such as structural, functional, and spatial information, amino acid conservation, physicochemical variation, residue mobility, and thermodynamic stability) performed at Invitae indicates that this missense variant is not expected to disrupt CHD2 protein function.

NM_001271.4(CHD2):c.4973G>A (p.Gly1658Glu)

Gene: CHD2 (chromodomain helicase DNA binding protein 2; plus strand). Cytogenetic location: 15q26.1.
Variant type: single nucleotide variant.
Coding change: c.4973G>A on transcript NM_001271.4 (MANE Select); coding-DNA position 4973, G replaced by A.
Protein change: p.Gly1658Glu; replaces glycine 1658 with glutamic acid.
Molecular consequence: missense variant.
Genome position (GRCh38, 1-based): chr15:93,020,078, G>A. VCF-style: chr15-93020078-G-A. GRCh37 (hg19) VCF-style: chr15-93563308-G-A.
Other names: short protein forms G1658E.
Identifiers: ClinVar variation 2010825 (VCV002010825.4), dbSNP rs1245170150, ClinGen allele CA393907583.